The following is an entry in ClinVar:

NM_000152.5(GAA):c.955+2T>G

Gene: GAA (alpha glucosidase; plus strand). Cytogenetic location: 17q25.3.
Variant type: single nucleotide variant.
Coding change: c.955+2T>G on transcript NM_000152.5 (MANE Select); the canonical splice donor site of the intron after coding-DNA position 955, T replaced by G.
Molecular consequence: splice donor variant.
Genome position (GRCh38, 1-based): chr17:80,107,898, T>G. VCF-style: chr17-80107898-T-G. GRCh37 (hg19) VCF-style: chr17-78081697-T-G.
Other names: c.955+2T>G (NM_001406741.1, NM_001406742.1, NM_001079803.3 and 1 more transcripts).
Identifiers: ClinVar variation 4876428 (VCV004876428.1).

ClinVar aggregate classification (germline): Pathogenic (1 of 4 stars; one submission).

Conditions:
Glycogen storage disease, type II (IOPD). Also called: Pompe Disease; CARDIOMEGALIA GLYCOGENICA DIFFUSA; GLYCOGENOSIS, GENERALIZED, CARDIAC FORM; GSD II; POMPE DISEASE, INFANTILE-ONSET; GLYCOGEN STORAGE DISEASE II, INFANTILE-ONSET. Identifiers: Orphanet 365, MedGen C0017921, MONDO:0009290, OMIM 232300.

Submission:

Genomenon, Inc
Classification: Pathogenic for Glycogen storage disease, type II. Last evaluated: 2026-07-01. Review status: criteria provided, single submitter. Criteria: Genomenon Sequence Variant Interpretation Standards - Updated. Collection method: curation. Allele origin: germline. Affected: yes.
Comment: GAA c.955+2T>G is a canonical splice variant affecting the donor splice site of intron 5. It is predicted to affect mRNA splicing, leading to a deleterious effect on the GAA protein. This variant has been observed in at least one proband with a GAA-related disorder (PMID:29181627). It is absent or not present at a significant frequency in gnomAD. In conclusion, we classify GAA c.955+2T>G as a pathogenic variant.

Literature cited by the submitters: PubMed 29181627.